The following is an entry in ClinVar:

ClinVar aggregate classification (germline): Uncertain significance. Review status: criteria provided, multiple submitters, no conflicts (2 of 4 stars). 2 submissions from 2 submitters: Uncertain significance (2). Last evaluated 2026-01-18.

Conditions:
Legius syndrome. Identifiers: Orphanet 137605, MedGen C1969623, MONDO:0012669, OMIM 611431. Disease mechanism: loss of function.
Cardiovascular phenotype. Identifiers: MedGen CN230736.

Submissions (2):

Ambry Genetics
Classification: Uncertain significance for Cardiovascular phenotype. Last evaluated: 2026-01-18. Review status: criteria provided, single submitter. Criteria: Ambry Variant Classification Scheme 2023. Collection method: clinical testing. Allele origin: germline.
Comment: The p.M188K variant (also known as c.563T>A), located in coding exon 5 of the SPRED1 gene, results from a T to A substitution at nucleotide position 563. The methionine at codon 188 is replaced by lysine, an amino acid with similar properties. This amino acid position is conserved. In addition, this alteration is predicted to be tolerated by in silico analysis. Based on the available evidence, the clinical significance of this variant remains unclear.

Labcorp Genetics (formerly Invitae), Labcorp
Classification: Uncertain significance for Legius syndrome. Last evaluated: 2024-09-11. Review status: criteria provided, single submitter. Criteria: Invitae Variant Classification Sherloc (09022015). Collection method: clinical testing. Allele origin: germline.
Comment: This sequence change replaces methionine, which is neutral and non-polar, with lysine, which is basic and polar, at codon 188 of the SPRED1 protein (p.Met188Lys). This variant is not present in population databases (gnomAD no frequency). This variant has not been reported in the literature in individuals affected with SPRED1-related conditions. Invitae Evidence Modeling of protein sequence and biophysical properties (such as structural, functional, and spatial information, amino acid conservation, physicochemical variation, residue mobility, and thermodynamic stability) indicates that this missense variant is not expected to disrupt SPRED1 protein function with a negative predictive value of 80%. In summary, the available evidence is currently insufficient to determine the role of this variant in disease. Therefore, it has been classified as a Variant of Uncertain Significance.

NM_152594.3(SPRED1):c.563T>A (p.Met188Lys)

Gene: SPRED1 (sprouty related EVH1 domain containing 1; plus strand). Cytogenetic location: 15q14.
Variant type: single nucleotide variant.
Coding change: c.563T>A on transcript NM_152594.3 (MANE Select); coding-DNA position 563, T replaced by A.
Protein change: p.Met188Lys; replaces methionine 188 with lysine.
Molecular consequence: missense variant.
Genome position (GRCh38, 1-based): chr15:38,339,876, T>A. VCF-style: chr15-38339876-T-A. GRCh37 (hg19) VCF-style: chr15-38632077-T-A.
Other names: c.563T>A (NM_152594.2); short protein forms M188K.
Identifiers: ClinVar variation 3729212 (VCV003729212.3).